The following is an entry in ClinVar:

NM_000053.4(ATP7B):c.3532A>G (p.Thr1178Ala)

Gene: ATP7B (ATPase copper transporting beta; minus strand). Cytogenetic location: 13q14.3.
Variant type: single nucleotide variant.
Coding change: c.3532A>G on transcript NM_000053.4 (MANE Select); coding-DNA position 3532, A replaced by G.
Protein change: p.Thr1178Ala; replaces threonine 1178 with alanine.
Molecular consequence: missense variant.
Genome position (GRCh38, 1-based): chr13:51,941,105, T>C on the plus strand (A>G on the coding strand, the complement: ATP7B is on the minus strand). VCF-style: chr13-51941105-T-C. GRCh37 (hg19) VCF-style: chr13-52515241-T-C.
Other names: c.2911A>G, p.Thr971Ala (NM_001005918.3); c.3199A>G, p.Thr1067Ala (NM_001243182.2); c.3298A>G, p.Thr1100Ala (NM_001330578.2); c.3280A>G, p.Thr1094Ala (NM_001330579.2); short protein forms T1094A, T971A, T1067A, T1100A, T1178A.
Identifiers: ClinVar variation 959197 (VCV000959197.25), dbSNP rs1387431334, ClinGen allele CA388026028.

ClinVar aggregate classification (germline): Pathogenic/Likely pathogenic. Review status: criteria provided, multiple submitters, no conflicts (2 of 4 stars). 11 submissions from 11 submitters: Pathogenic (7); Likely pathogenic (3). 1 of the submissions does not count toward it. Last evaluated 2025-05-25.

Conditions:
Wilson disease (WND). Also called: Wilson's disease. Identifiers: Orphanet 905, MedGen C0019202, MONDO:0010200, OMIM 277900. Disease mechanism: loss of function.

Allele frequency attached by ClinVar (database versions not stated): TOPMed below 0.00001; gnomAD 0.00001 and below 0.00001; gnomAD exomes below 0.00001.
gnomAD v4.1: 3 of 1,614,108 alleles (0.00019%); highest among the groups gnomAD compares: East Asian, 0.0022%; no homozygotes.

Submissions (11):

Labcorp Genetics (formerly Invitae), Labcorp
Classification: Pathogenic for Wilson disease. Last evaluated: 2025-05-25. Review status: criteria provided, single submitter. Criteria: Invitae Variant Classification Sherloc (09022015). Collection method: clinical testing. Allele origin: germline.
Comment: This sequence change replaces threonine, which is neutral and polar, with alanine, which is neutral and non-polar, at codon 1178 of the ATP7B protein (p.Thr1178Ala). This variant is present in population databases (no rsID available, gnomAD 0.006%). This missense change has been observed in individual(s) with Wilson disease (PMID: 18034201, 21034864, 23235335, 24094725, 31059521). In at least one individual the data is consistent with being in trans (on the opposite chromosome) from a pathogenic variant. ClinVar contains an entry for this variant (Variation ID: 959197). Invitae Evidence Modeling of protein sequence and biophysical properties (such as structural, functional, and spatial information, amino acid conservation, physicochemical variation, residue mobility, and thermodynamic stability) indicates that this missense variant is expected to disrupt ATP7B protein function with a positive predictive value of 80%. For these reasons, this variant has been classified as Pathogenic.

Revvity Omics, Revvity
Classification: Pathogenic for Wilson disease. Last evaluated: 2025-05-19. Review status: criteria provided, single submitter. Criteria: ACMG Guidelines, 2015. Collection method: clinical testing. Allele origin: germline.

Natera, Inc.
Classification: Pathogenic for Wilson disease. Last evaluated: 2025-03-25. Review status: criteria provided, single submitter. Criteria: Natera Variant Classification Schema (03/2026). Collection method: clinical testing. Allele origin: germline.
Comment: The c.3532A>G variant in ATP7B is a missense variant predicted to cause substitution of threonine to alanine at amino acid 1178. This variant is rare in the general population with a frequency below the threshold expected for the associated phenotype(s). This variant has been observed in one or more individuals affected with the associated recessive disease, as either homozygous or compound heterozygous with a second variant (PMID: 35470480, 31059521, 24094725, 18034201). Additionally, this variant has been observed to segregate in affected family members (PMID: 31059521). Computational prediction algorithms indicate this variant is likely to affect gene or protein function. Given the available evidence, this variant is classified as Pathogenic.

GeneDx
Classification: Likely pathogenic. Last evaluated: 2025-03-07. Review status: criteria provided, single submitter. Criteria: GeneDx Variant Classification Process June 2021. Collection method: clinical testing. Allele origin: germline.
Comment: Not observed at significant frequency in large population cohorts (gnomAD); In silico analysis supports that this missense variant has a deleterious effect on protein structure/function; This variant is associated with the following publications: (PMID: 16696937, 22692182, 30275481, 31059521, 24094725, 23235335, 18034201, 21034864, 35470480, 34400371, 35193651, 34324271, 35220961, 37020998)

All of Us Research Program, National Institutes of Health
Classification: Pathogenic for Wilson disease. Last evaluated: 2024-06-09. Review status: criteria provided, single submitter. Criteria: ACMG Guidelines, 2015. Collection method: clinical testing. Allele origin: germline. Inheritance: Autosomal recessive inheritance. Observed: 1 variant allele, 1 heterozygote.
Comment: This missense variant replaces threonine with alanine at codon 1178 of the ATP7B protein. This variant alters a conserved residue in the ATP binding domain (a.a. 1032 - 1196), a region that is considered to be important for ATP7B protein function (PMID: 35245129; ClinVar). Computational prediction suggests that this variant may have deleterious impact on protein structure and function. To our knowledge, functional studies have not been reported for this variant. This variant has been observed in dozens of individuals affected with autosomal recessive Wilson disease (PMID: 16696937, 17823867, 18034201, 20931554, 21034864, 21219664, 21796144, 23235335, 25089800, 27022412, 27982432, 31059521, 31172689, 34470610, 34324271, 34400371, 35193651, 35444691, 35222532, 35470480), including many confirmed to be in the compound heterozygous or homozygous state (PMID: 18034201, 31059521, 34324271, 35193651, 35222532, 35470480), indicating that this variant contributes to disease. This variant has been identified in 1/249588 chromosomes in the general population by the Genome Aggregation Database (gnomAD). Based on the available evidence, this variant is classified as Pathogenic.

This study involves interpretation of variants in research participants for the purpose of population health screening. Participant phenotype was not available at the time of variant classification. Additional details can be found in publication PMID: 35346344, PMCID: PMC8962531

Baylor Genetics
Classification: Pathogenic for Wilson disease. Last evaluated: 2023-10-25. Review status: criteria provided, single submitter. Criteria: ACMG Guidelines, 2015. Collection method: clinical testing. Allele origin: unknown.

Women's Health and Genetics/Laboratory Corporation of America, LabCorp
Classification: Pathogenic for Wilson disease. Last evaluated: 2022-02-03. Review status: criteria provided, single submitter. Criteria: LabCorp Variant Classification Summary - May 2015. Collection method: clinical testing. Allele origin: germline.
Comment: Variant summary: ATP7B c.3532A>G (p.Thr1178Ala) results in a non-conservative amino acid change located in the P-type ATPase, haloacid dehalogenase domain (IPR044492) of the encoded protein sequence. Five of five in-silico tools predict a damaging effect of the variant on protein function. The variant allele was found at a frequency of 4e-06 in 249588 control chromosomes (gnomAD). c.3532A>G has been reported in the literature in multiple homozygous and compound heterozygous individuals affected with Wilson Disease (e.g. Mak_2008, Wan_2010, Singh_2019, Xiao_2021). These data indicate that the variant is very likely to be associated with disease. Two ClinVar submitters (evaluation after 2014) cite the variant as pathogenic/likely pathogenic. Based on the evidence outlined above, the variant was classified as pathogenic.

Genome-Nilou Lab
Classification: Likely pathogenic for Wilson disease. Last evaluated: 2021-08-10. Review status: criteria provided, single submitter. Criteria: ACMG Guidelines, 2015. Collection method: clinical testing. Allele origin: germline. Affected: no.

Laboratory for Molecular Medicine, Mass General Brigham Personalized Medicine
Classification: Likely pathogenic for Wilson disease. Last evaluated: 2020-06-11. Review status: criteria provided, single submitter. Criteria: ACMG Guidelines, 2015. Collection method: clinical testing. Allele origin: germline.
Comment: The p.Thr1178Ala variant in ATP7B has been identified in several individuals with Wilson disease, including three individuals who were compound heterozygous with a second pathogenic or likely pathogenic ATP7B variant (Dong 2016, Guggilla 2015, Mak 2008, Panichareon 2011, Wan 2006). This variant was identified in 1/17978 East Asian chromosomes by gnomAD. Computational prediction tools and conservation analysis do not provide strong support for or against an impact to the protein. In summary, although additional studies are required to fully establish its clinical significance, this variant meets criteria to be classified as likely pathogenic for autosomal recessive. ACMG/AMP criteria applied: PM3_Strong, PM2, PP4.

Juno Genomics, Hangzhou Juno Genomics, Inc
Classification: Pathogenic for Wilson disease. Review status: criteria provided, single submitter. Criteria: ACMG Guidelines, 2015. Collection method: clinical testing. Allele origin: germline.
Comment: Absent from controls (or at extremely low frequency if recessive) in Genome Aggregation Database.;Multiple lines of computational evidence support a deleterious effect on the gene or gene product.;For recessive disorders, detected in trans with a pathogenic variant.;Patient's phenotype or family history is highly specific for a disease with a single genetic etiology.

Chongqing Key Laboratory of Child Rare Diseases in Infection and Immunity, Children’s Hospital of Chongqing Medical University
Classification: Uncertain significance for Wilson disease. Last evaluated: 2024-01-01. Review status: flagged submission. Criteria: ACMG Guidelines, 2015. Collection method: clinical testing. Allele origin: germline. Inheritance: Autosomal recessive inheritance. Affected: yes. Not counted in ClinVar's aggregate classification.
Comment: Classified as Uncertain significance according to the ACMG/AMP 2015 guidelines (PMID:25741868). The classification was based on the available submitted evidence for Wilson disease (OMIM:277900), including clinical-testing observations, variant consequence/protein annotation, and published or ClinVar evidence where available. Supporting information considered: variant annotation: p.Thr1178Ala; Missense; Protein domain: N-domain-enriched; submitted notation: NM_000053.4:c.3532A>G (p.Thr1178Ala); source variant type: Missense; source domain: N-domain-enriched; allele count n=230: 7.
ClinVar note: Reason: Outlier claim with insufficient supporting evidence

Literature cited by the submitters: PubMed 18034201 (cited by 5 submitters); PubMed 21034864 (cited by 3 submitters); PubMed 23235335 (cited by Labcorp Genetics (formerly Invitae), Labcorp and All of Us Research Program, National Institutes of Health); PubMed 24094725 (cited by Labcorp Genetics (formerly Invitae), Labcorp and Natera, Inc.); PubMed 31059521 (cited by 4 submitters); PubMed 35470480 (cited by Natera, Inc. and All of Us Research Program, National Institutes of Health); PubMed 16696937 (cited by All of Us Research Program, National Institutes of Health and Laboratory for Molecular Medicine, Mass General Brigham Personalized Medicine); PubMed 17823867 (cited by All of Us Research Program, National Institutes of Health); PubMed 20931554 (cited by All of Us Research Program, National Institutes of Health and Women's Health and Genetics/Laboratory Corporation of America, LabCorp); PubMed 21219664 (cited by All of Us Research Program, National Institutes of Health); PubMed 21796144 (cited by All of Us Research Program, National Institutes of Health); PubMed 25089800 (cited by All of Us Research Program, National Institutes of Health); PubMed 27022412 (cited by All of Us Research Program, National Institutes of Health and Laboratory for Molecular Medicine, Mass General Brigham Personalized Medicine); PubMed 27982432 (cited by All of Us Research Program, National Institutes of Health); PubMed 31172689 (cited by All of Us Research Program, National Institutes of Health); PubMed 34324271 (cited by All of Us Research Program, National Institutes of Health and Women's Health and Genetics/Laboratory Corporation of America, LabCorp); PubMed 34400371 (cited by All of Us Research Program, National Institutes of Health); PubMed 34470610 (cited by All of Us Research Program, National Institutes of Health); PubMed 35193651 (cited by All of Us Research Program, National Institutes of Health); PubMed 35222532 (cited by All of Us Research Program, National Institutes of Health); PubMed 35245129 (cited by All of Us Research Program, National Institutes of Health); PubMed 35444691 (cited by All of Us Research Program, National Institutes of Health); PubMed 25982861 (cited by Laboratory for Molecular Medicine, Mass General Brigham Personalized Medicine).